The following is an entry in ClinVar:

NM_005612.5(REST):c.2695G>A (p.Ala899Thr)

Gene: REST (RE1 silencing transcription factor; plus strand). Cytogenetic location: 4q12.
Variant type: single nucleotide variant.
Coding change: c.2695G>A on transcript NM_005612.5 (MANE Select); coding-DNA position 2695, G replaced by A.
Protein change: p.Ala899Thr; replaces alanine 899 with threonine.
Molecular consequence: missense variant.
Genome position (GRCh38, 1-based): chr4:56,931,553, G>A. VCF-style: chr4-56931553-G-A. GRCh37 (hg19) VCF-style: chr4-57797719-G-A.
Other names: c.2695G>A, p.Ala899Thr (NM_001193508.2, NM_001363453.3); short protein forms A899T.
Identifiers: ClinVar variation 3730588 (VCV003730588.2).

ClinVar aggregate classification (germline): Uncertain significance (1 of 4 stars; one submission).

gnomAD v4.1: 13 of 1,614,080 alleles (0.00081%); highest among the groups gnomAD compares: African/African-American, 0.012%; no homozygotes.

Submission:

Labcorp Genetics (formerly Invitae), Labcorp
Classification: Uncertain significance. Last evaluated: 2024-03-20. Review status: criteria provided, single submitter. Criteria: Invitae Variant Classification Sherloc (09022015). Collection method: clinical testing. Allele origin: germline.
Comment: This sequence change replaces alanine, which is neutral and non-polar, with threonine, which is neutral and polar, at codon 899 of the REST protein (p.Ala899Thr). This variant is not present in population databases (gnomAD no frequency). This variant has not been reported in the literature in individuals affected with REST-related conditions. Algorithms developed to predict the effect of missense changes on protein structure and function output the following: SIFT: "Not Available"; PolyPhen-2: "Benign"; Align-GVGD: "Not Available". The threonine amino acid residue is found in multiple mammalian species, which suggests that this missense change does not adversely affect protein function. In summary, the available evidence is currently insufficient to determine the role of this variant in disease. Therefore, it has been classified as a Variant of Uncertain Significance.